The following is an entry in ClinVar:

ClinVar aggregate classification (germline): Uncertain significance. Review status: criteria provided, multiple submitters, no conflicts (2 of 4 stars). 2 submissions from 2 submitters: Uncertain significance (2). Last evaluated 2025-10-23.

Allele frequency attached by ClinVar (database versions not stated): gnomAD 0.00002.
gnomAD v4.1: 55 of 1,613,500 alleles (0.0034%); highest among the groups gnomAD compares: African/African-American, 0.0067%; no homozygotes.

Submissions (2):

GeneDx
Classification: Uncertain significance. Last evaluated: 2025-10-23. Review status: criteria provided, single submitter. Criteria: GeneDx Variant Classification Process June 2021. Collection method: clinical testing. Allele origin: germline.
Comment: In silico analysis suggests that this missense variant does not alter protein structure/function; Has not been previously published as pathogenic or benign to our knowledge

Ambry Genetics
Classification: Uncertain significance. Last evaluated: 2023-09-13. Review status: criteria provided, single submitter. Criteria: Ambry Variant Classification Scheme 2023. Collection method: clinical testing. Allele origin: germline.

NM_178335.3(CCDC50):c.680G>A (p.Arg227Gln)

Gene: CCDC50 (coiled-coil domain containing 50; plus strand). Cytogenetic location: 3q28.
Variant type: single nucleotide variant.
Coding change: c.680G>A on transcript NM_178335.3 (MANE Select); coding-DNA position 680, G replaced by A.
Protein change: p.Arg227Gln; replaces arginine 227 with glutamine.
Molecular consequence: missense variant. On other transcripts: intron variant (1).
Genome position (GRCh38, 1-based): chr3:191,375,293, G>A. VCF-style: chr3-191375293-G-A. GRCh37 (hg19) VCF-style: chr3-191093082-G-A.
Other names: c.449-4866G>A (NM_174908.4); short protein forms R227Q.
Identifiers: ClinVar variation 2623304 (VCV002623304.4), dbSNP rs371781270, ClinGen allele CA2755306.